The following is an entry in ClinVar:

ClinVar aggregate classification (germline): Uncertain significance (1 of 4 stars; one submission).

Allele frequency attached by ClinVar (database versions not stated): ExAC 0.00002; gnomAD exomes 0.00003; gnomAD 0.00002.

Submission:

Labcorp Genetics (formerly Invitae), Labcorp
Classification: Uncertain significance. Last evaluated: 2025-09-01. Review status: criteria provided, single submitter. Criteria: Invitae Variant Classification Sherloc (09022015). Collection method: clinical testing. Allele origin: germline.
Comment: This sequence change affects codon 302 of the OR2W3 mRNA. It is a 'silent' change, meaning that it does not change the encoded amino acid sequence of the OR2W3 protein. This variant is present in population databases (rs747624645, gnomAD 0.004%). This variant has not been reported in the literature in individuals affected with OR2W3-related conditions. ClinVar contains an entry for this variant (Variation ID: 2965935). In summary, the available evidence is currently insufficient to determine the role of this variant in disease. Therefore, it has been classified as a Variant of Uncertain Significance.

NM_001001957.2(OR2W3):c.906A>G (p.Gly302=)

Gene: OR2W3 (olfactory receptor family 2 subfamily W member 3; plus strand). Cytogenetic location: 1q44.
Variant type: single nucleotide variant.
Coding change: c.906A>G on transcript NM_001001957.2 (MANE Select); coding-DNA position 906, A replaced by G.
Protein change: p.Gly302=; no amino-acid change (glycine 302 retained).
Molecular consequence: synonymous variant.
Genome position (GRCh38, 1-based): chr1:247,896,492, A>G. VCF-style: chr1-247896492-A-G. GRCh37 (hg19) VCF-style: chr1-248059794-A-G.
Identifiers: ClinVar variation 2965935 (VCV002965935.3), dbSNP rs747624645, ClinGen allele CA1498716.